The following is an entry in ClinVar:

ClinVar aggregate classification (germline): Pathogenic (1 of 4 stars; one submission).

Conditions:
Charcot-Marie-Tooth disease axonal type 2V. Also called: CHARCOT-MARIE-TOOTH NEUROPATHY, TYPE 2V; CHARCOT-MARIE-TOOTH DISEASE, AXONAL, AUTOSOMAL DOMINANT, TYPE 2V. Identifiers: Orphanet 447964, MedGen C5569050, MONDO:0014665, OMIM 616491.
Mucopolysaccharidosis, MPS-III-B (MPS3B). Also called: MPS IIIB (Sanfilippo Syndrome Type B); N-ACETYL-ALPHA-D-GLUCOSAMINIDASE DEFICIENCY; NAGLU DEFICIENCY; MUCOPOLYSACCHARIDOSIS, TYPE IIIB; Mucopolysaccharidosis type IIIB (Sanfilippo B); SANFILIPPO SYNDROME B. Identifiers: Orphanet 79270, MedGen C0086648, MONDO:0009656, OMIM 252920.

Submission:

Labcorp Genetics (formerly Invitae), Labcorp
Classification: Pathogenic for Charcot-Marie-Tooth disease axonal type 2V; Mucopolysaccharidosis, MPS-III-B. Last evaluated: 2023-09-10. Review status: criteria provided, single submitter. Criteria: Invitae Variant Classification Sherloc (09022015). Collection method: clinical testing. Allele origin: germline.
Comment: This sequence change creates a premature translational stop signal (p.Ser274Profs*26) in the NAGLU gene. It is expected to result in an absent or disrupted protein product. Loss-of-function variants in NAGLU are known to be pathogenic (PMID: 9832037, 10094189, 16151907). This variant is present in population databases (no rsID available, gnomAD 0.002%). This variant has not been reported in the literature in individuals affected with NAGLU-related conditions. ClinVar contains an entry for this variant (Variation ID: 1376432). For these reasons, this variant has been classified as Pathogenic.

Literature cited by the submitters: PubMed 9832037; PubMed 10094189; PubMed 16151907.

NM_000263.4(NAGLU):c.820del (p.Ser274fs)

Gene: NAGLU (N-acetyl-alpha-glucosaminidase; plus strand). Cytogenetic location: 17q21.2.
Variant type: Deletion.
Coding change: c.820del on transcript NM_000263.4 (MANE Select); coding-DNA position 820, one base deleted (T; older notation c.820delT).
Protein change: p.Ser274fs; shifts the reading frame from serine 274.
Molecular consequence: frameshift variant.
Genome position (GRCh38, 1-based): chr17:42,541,005, T deleted; the last of 2 consecutive T bases (chr17:42,541,004-42,541,005); deleting either gives the same sequence. VCF-style (leftmost placement, unchanged base first): chr17-42541003-GT-G. GRCh37 (hg19) VCF-style: chr17-40693021-GT-G.
Other names: short protein forms S274fs.
Identifiers: ClinVar variation 1376432 (VCV001376432.6), dbSNP rs1452185692, ClinGen allele CA626218593.